The following is an entry in ClinVar:

NM_001042492.3(NF1):c.2329del (p.Trp777fs)

Gene: NF1 (neurofibromin 1; plus strand). Cytogenetic location: 17q11.2.
Variant type: Deletion.
Coding change: c.2329del on transcript NM_001042492.3 (MANE Select); coding-DNA position 2329, one base deleted (T; older notation c.2329delT).
Protein change: p.Trp777fs; shifts the reading frame from tryptophan 777.
Molecular consequence: frameshift variant.
Genome position (GRCh38, 1-based): chr17:31,227,526, T deleted; the last of 2 consecutive T bases (chr17:31,227,525-31,227,526); deleting either gives the same sequence. VCF-style (leftmost placement, unchanged base first): chr17-31227524-CT-C. GRCh37 (hg19) VCF-style: chr17-29554542-CT-C.
Other names: c.2329del, p.Trp777fs (NM_000267.4); short protein forms W777fs.
Identifiers: ClinVar variation 4724210 (VCV004724210.1).

ClinVar aggregate classification (germline): Pathogenic (1 of 4 stars; one submission).

Conditions:
Neurofibromatosis, type 1 (NF1). Also called: NEUROFIBROMATOSIS, TYPE I, SOMATIC; VON RECKLINGHAUSEN DISEASE; Peripheral type neurofibromatosis; Neurofibromatosis, type I. Identifiers: Orphanet 636, MedGen C0027831, MONDO:0018975, OMIM 162200. Disease mechanism: loss of function.

Submission:

Labcorp Genetics (formerly Invitae), Labcorp
Classification: Pathogenic for Neurofibromatosis, type 1. Last evaluated: 2025-07-29. Review status: criteria provided, single submitter. Criteria: Invitae Variant Classification Sherloc (09022015). Collection method: clinical testing. Allele origin: germline.
Comment: This sequence change creates a premature translational stop signal (p.Trp777Glyfs*14) in the NF1 gene. It is expected to result in an absent or disrupted protein product. Loss-of-function variants in NF1 are known to be pathogenic (PMID: 10712197, 23913538). This variant is not present in population databases (gnomAD no frequency). This variant has not been reported in the literature in individuals affected with NF1-related conditions. For these reasons, this variant has been classified as Pathogenic.

Literature cited by the submitters: PubMed 10712197; PubMed 23913538.